The following is an entry in ClinVar:

NM_001077415.3(CRELD1):c.822_823del (p.Ala275fs)

Gene: CRELD1 (cysteine rich with EGF like domains 1; plus strand). Cytogenetic location: 3p25.3.
Variant type: Microsatellite.
Coding change: c.822_823del on transcript NM_001077415.3 (MANE Select); coding-DNA positions 822 to 823, 2 bases deleted (TG; older notation c.822_823delTG).
Protein change: p.Ala275fs; shifts the reading frame from alanine 275.
Molecular consequence: frameshift variant. On other transcripts: non-coding transcript variant (3).
Genome position (GRCh38, 1-based): chr3:9,943,081-9,943,082, TG deleted; deleting any 2 consecutive bases within chr3:9,943,079-9,943,082 gives the same sequence; the c. name uses the placement nearest the transcript's 3' end. VCF-style (leftmost placement, unchanged base first): chr3-9943078-CTG-C. GRCh37 (hg19) VCF-style: chr3-9984762-CTG-C.
Other names: c.822_823del, p.Ala275fs (NM_001031717.4, NM_001374316.1, NM_001374317.1 and 2 more transcripts); c.738_739del, p.Ala247fs (NM_001374319.1, NM_001374320.1); short protein forms A275fs, A247fs.
Identifiers: ClinVar variation 633463 (VCV000633463.3), dbSNP rs1575650682, ClinGen allele CA913189818.

ClinVar aggregate classification (germline): Likely pathogenic (1 of 4 stars; one submission).

Conditions:
Atrioventricular septal defect, susceptibility to, 2. Identifiers: MedGen C1853508, MONDO:0011650, OMIM 606217.

Submission:

Diagnostics Division, CENTRE FOR DNA FINGERPRINTING AND DIAGNOSTICS
Classification: Likely pathogenic for Atrioventricular septal defect, susceptibility to, 2. Last evaluated: 2019-01-01. Review status: criteria provided, single submitter. Criteria: ACMG Guidelines, 2015. Collection method: research. Allele origin: germline. Affected: yes. Observed: 1 heterozygote.
Comment: Frameshift variant